The following is an entry in ClinVar:

ClinVar aggregate classification (germline): Uncertain significance (1 of 4 stars; one submission).

Submission:

Ambry Genetics
Classification: Uncertain significance. Last evaluated: 2023-06-17. Review status: criteria provided, single submitter. Criteria: Ambry Variant Classification Scheme 2023. Collection method: clinical testing. Allele origin: germline.
Comment: The p.F591L variant (also known as c.1773T>A), located in coding exon 16 of the RAD54L gene, results from a T to A substitution at nucleotide position 1773. The phenylalanine at codon 591 is replaced by leucine, an amino acid with highly similar properties. This amino acid position is conserved. In addition, this alteration is predicted to be deleterious by in silico analysis. Since supporting evidence is limited at this time, the clinical significance of this alteration remains unclear.

NM_003579.4(RAD54L):c.1773T>A (p.Phe591Leu)

Gene: RAD54L (RAD54 like; plus strand). Cytogenetic location: 1p34.1.
Variant type: single nucleotide variant.
Coding change: c.1773T>A on transcript NM_003579.4 (MANE Select); coding-DNA position 1773, T replaced by A.
Protein change: p.Phe591Leu; replaces phenylalanine 591 with leucine.
Molecular consequence: missense variant.
Genome position (GRCh38, 1-based): chr1:46,274,621, T>A. VCF-style: chr1-46274621-T-A. GRCh37 (hg19) VCF-style: chr1-46740293-T-A.
Other names: c.1773T>A, p.Phe591Leu (NM_001142548.2); c.1233T>A, p.Phe411Leu (NM_001370766.1); short protein forms F591L, F411L.
Identifiers: ClinVar variation 2625145 (VCV002625145.2), dbSNP rs2525718563, ClinGen allele CA340185694.